The following is an entry in ClinVar:

NM_000038.6(APC):c.5131C>T (p.Pro1711Ser)

Gene: APC (APC regulator of Wnt signaling pathway; plus strand). Cytogenetic location: 5q22.2.
Variant type: single nucleotide variant.
Coding change: c.5131C>T on transcript NM_000038.6 (MANE Select); coding-DNA position 5131, C replaced by T.
Protein change: p.Pro1711Ser; replaces proline 1711 with serine.
Molecular consequence: missense variant.
Genome position (GRCh38, 1-based): chr5:112,840,725, C>T. VCF-style: chr5-112840725-C-T. GRCh37 (hg19) VCF-style: chr5-112176422-C-T.
Other names: c.5131C>T, p.Pro1711Ser (NM_001127510.3, NM_001354895.2, NM_001407450.1); c.5077C>T, p.Pro1693Ser (NM_001127511.3); c.5185C>T, p.Pro1729Ser (NM_001354896.2, NM_001407447.1, NM_001407448.1 and 1 more transcripts); c.5161C>T, p.Pro1721Ser (NM_001354897.2); c.5056C>T, p.Pro1686Ser (NM_001354898.2); c.5047C>T, p.Pro1683Ser (NM_001354899.2); c.5008C>T, p.Pro1670Ser (NM_001354900.2); c.4954C>T, p.Pro1652Ser (NM_001354901.2, NM_001407453.1); and 12 more; short protein forms P1585S, P1652S, P1670S, P1683S, P1729S, P1551S, P1628S, P1693S.
Identifiers: ClinVar variation 2147947 (VCV002147947.7), dbSNP rs762798174, ClinGen allele CA040688.

ClinVar aggregate classification (germline): Uncertain significance. Review status: criteria provided, multiple submitters, no conflicts (2 of 4 stars). 3 submissions from 3 submitters: Uncertain significance (3). Last evaluated 2025-02-12.

Conditions:
Hereditary cancer-predisposing syndrome. Also called: Tumor predisposition; Hereditary neoplastic syndrome; Hereditary Cancer Syndrome; Neoplastic Syndromes, Hereditary. Identifiers: Orphanet 140162, MedGen C0027672, MeSH D009386, MONDO:0015356.
Classic or attenuated familial adenomatous polyposis. Identifiers: MedGen CN372698, MONDO:0021057.
Familial adenomatous polyposis 1 (FAP1). Also called: FAMILIAL ADENOMATOUS POLYPOSIS 1, ATTENUATED; POLYPOSIS, ADENOMATOUS INTESTINAL. Identifiers: MedGen C2713442, MONDO:0021056, OMIM 175100. Disease mechanism: loss of function.

Allele frequency attached by ClinVar (database versions not stated): TOPMed below 0.00001; ExAC 0.00001; gnomAD 0.00001.
gnomAD v4.1: 2 of 1,613,962 alleles (0.00012%); highest among the groups gnomAD compares: South Asian, 0.0011%; no homozygotes.

Submissions (3):

Labcorp Genetics (formerly Invitae), Labcorp
Classification: Uncertain significance for Familial adenomatous polyposis 1. Last evaluated: 2025-02-12. Review status: criteria provided, single submitter. Criteria: Invitae Variant Classification Sherloc (09022015). Collection method: clinical testing. Allele origin: germline.
Comment: This sequence change replaces proline, which is neutral and non-polar, with serine, which is neutral and polar, at codon 1711 of the APC protein (p.Pro1711Ser). This variant is present in population databases (rs762798174, gnomAD 0.003%). This variant has not been reported in the literature in individuals affected with APC-related conditions. ClinVar contains an entry for this variant (Variation ID: 2147947). Invitae Evidence Modeling of protein sequence and biophysical properties (such as structural, functional, and spatial information, amino acid conservation, physicochemical variation, residue mobility, and thermodynamic stability) indicates that this missense variant is not expected to disrupt APC protein function with a negative predictive value of 95%. In summary, the available evidence is currently insufficient to determine the role of this variant in disease. Therefore, it has been classified as a Variant of Uncertain Significance.

Ambry Genetics
Classification: Uncertain significance for Hereditary cancer-predisposing syndrome. Last evaluated: 2023-06-09. Review status: criteria provided, single submitter. Criteria: Ambry Variant Classification Scheme 2023. Collection method: clinical testing. Allele origin: germline.
Comment: The p.P1711S variant (also known as c.5131C>T), located in coding exon 15 of the APC gene, results from a C to T substitution at nucleotide position 5131. The proline at codon 1711 is replaced by serine, an amino acid with similar properties. This amino acid position is conserved. In addition, in silico predictors for this gene do not accurately predict pathogenicity. Since supporting evidence is limited at this time, the clinical significance of this alteration remains unclear.

All of Us Research Program, National Institutes of Health
Classification: Uncertain significance for Classic or attenuated familial adenomatous polyposis. Last evaluated: 2023-03-09. Review status: criteria provided, single submitter. Criteria: ACMG Guidelines, 2015. Collection method: clinical testing. Allele origin: germline. Inheritance: Autosomal dominant inheritance. Observed: 1 variant allele, 1 heterozygote.
Comment: This missense variant replaces proline with serine at codon 1711 of the APC protein. Computational prediction suggests that this variant may not impact protein structure and function (internally defined REVEL score threshold <= 0.5, PMID: 27666373). To our knowledge, functional studies have not been reported for this variant. This variant has not been reported in individuals affected with APC-related disorders in the literature. This variant has been identified in 1/249992 chromosomes in the general population by the Genome Aggregation Database (gnomAD). The available evidence is insufficient to determine the role of this variant in disease conclusively. Therefore, this variant is classified as a Variant of Uncertain Significance.

This study involves interpretation of variants in research participants for the purpose of population health screening. Participant phenotype was not available at the time of variant classification. Additional details can be found in publication PMID: 35346344, PMCID: PMC8962531